The following is an entry in ClinVar:

ClinVar aggregate classification (germline): Pathogenic (1 of 4 stars; one submission).

Conditions:
Rubinstein-Taybi syndrome due to EP300 haploinsufficiency. Also called: RUBINSTEIN-TAYBI SYNDROME 2; EP300-Related Rubinstein-Taybi Syndrome. Identifiers: Orphanet 353284, Orphanet 783, MedGen C3150941, MONDO:0013364, OMIM 613684.

Submission:

Labcorp Genetics (formerly Invitae), Labcorp
Classification: Pathogenic for Rubinstein-Taybi syndrome due to EP300 haploinsufficiency. Last evaluated: 2025-10-14. Review status: criteria provided, single submitter. Criteria: Invitae Variant Classification Sherloc (09022015). Collection method: clinical testing. Allele origin: germline.
Comment: This sequence change creates a premature translational stop signal (p.Gln2232*) in the EP300 gene. While this is not anticipated to result in nonsense mediated decay, it is expected to disrupt the last 183 amino acid(s) of the EP300 protein. This variant is not present in population databases (gnomAD no frequency). This variant has not been reported in the literature in individuals affected with EP300-related conditions. This variant disrupts a region of the EP300 protein in which other variant(s) (p.Pro2367Argfs*36) have been determined to be pathogenic (PMID: 17299436). This suggests that this is a clinically significant region of the protein, and that variants that disrupt it are likely to be disease-causing. For these reasons, this variant has been classified as Pathogenic.

Literature cited by the submitters: PubMed 17299436.

NM_001429.4(EP300):c.6694C>T (p.Gln2232Ter)

Gene: EP300 (EP300 lysine acetyltransferase; plus strand). Cytogenetic location: 22q13.2.
Variant type: single nucleotide variant.
Coding change: c.6694C>T on transcript NM_001429.4 (MANE Select); coding-DNA position 6694, C replaced by T.
Protein change: p.Gln2232Ter; replaces glutamine 2232 with a stop codon.
Molecular consequence: nonsense.
Genome position (GRCh38, 1-based): chr22:41,178,405, C>T. VCF-style: chr22-41178405-C-T. GRCh37 (hg19) VCF-style: chr22-41574409-C-T.
Other names: c.6616C>T, p.Gln2206Ter (NM_001362843.2); short protein forms Q2206*, Q2232*.
Identifiers: ClinVar variation 4729014 (VCV004729014.1).